The following is an entry in ClinVar:

ClinVar aggregate classification (germline): Uncertain significance. Review status: criteria provided, multiple submitters, no conflicts (2 of 4 stars). 2 submissions from 2 submitters: Uncertain significance (2). Last evaluated 2022-03-11.

Conditions:
Inborn genetic diseases. Identifiers: MedGen C0950123, MeSH D030342.
Mitochondrial DNA depletion syndrome, encephalomyopathic form with methylmalonic aciduria (MTDPS5). Also called: MITOCHONDRIAL DNA DEPLETION SYNDROME, ENCEPHALOMYOPATHIC FORM, WITH OR WITHOUT METHYLMALONIC ACIDURIA, AUTOSOMAL RECESSIVE, SUCLA2-RELATED; Mitochondrial DNA depletion syndrome 5 (encephalomyopathic with or without methylmalonic aciduria); Mitochondrial encephalomyopathy aminoacidopathy; SUCLA2-Related Mitochondrial DNA Depletion Syndrome, Encephalomyopathic Form with Methylmalonic Aciduria. Identifiers: Orphanet 1933, MedGen C5980207, MONDO:0012791, OMIM 612073.

Submissions (2):

Labcorp Genetics (formerly Invitae), Labcorp
Classification: Uncertain significance for Mitochondrial DNA depletion syndrome, encephalomyopathic form with methylmalonic aciduria. Last evaluated: 2022-03-11. Review status: criteria provided, single submitter. Criteria: Invitae Variant Classification Sherloc (09022015). Collection method: clinical testing. Allele origin: germline.
Comment: This variant has not been reported in the literature in individuals affected with SUCLA2-related conditions. This variant is not present in population databases (gnomAD no frequency). ClinVar contains an entry for this variant (Variation ID: 985467). Algorithms developed to predict the effect of missense changes on protein structure and function (SIFT, PolyPhen-2, Align-GVGD) all suggest that this variant is likely to be disruptive. In summary, the available evidence is currently insufficient to determine the role of this variant in disease. Therefore, it has been classified as a Variant of Uncertain Significance. This sequence change replaces proline, which is neutral and non-polar, with alanine, which is neutral and non-polar, at codon 259 of the SUCLA2 protein (p.Pro259Ala).

Ambry Genetics
Classification: Uncertain significance for Inborn genetic diseases. Last evaluated: 2019-10-01. Review status: criteria provided, single submitter. Criteria: Ambry exome assertion method (8-5-2015). Collection method: clinical testing. Allele origin: germline. Affected: yes. Observed: 1 variant allele.

NM_003850.3(SUCLA2):c.775C>G (p.Pro259Ala)

Gene: SUCLA2 (succinate-CoA ligase ADP-forming subunit beta; minus strand). Cytogenetic location: 13q14.2.
Variant type: single nucleotide variant.
Coding change: c.775C>G on transcript NM_003850.3 (MANE Select); coding-DNA position 775, C replaced by G.
Protein change: p.Pro259Ala; replaces proline 259 with alanine.
Molecular consequence: missense variant.
Genome position (GRCh38, 1-based): chr13:47,968,622, G>C on the plus strand (C>G on the coding strand, the complement: SUCLA2 is on the minus strand). VCF-style: chr13-47968622-G-C. GRCh37 (hg19) VCF-style: chr13-48542757-G-C.
Other names: short protein forms P259A.
Identifiers: ClinVar variation 985467 (VCV000985467.7), dbSNP rs1949937562, ClinGen allele CA388149087.